The following is an entry in ClinVar:

NM_013447.4(ADGRE2):c.488-7T>C

Gene: ADGRE2 (adhesion G protein-coupled receptor E2; minus strand). Cytogenetic location: 19p13.12.
Variant type: single nucleotide variant.
Coding change: c.488-7T>C on transcript NM_013447.4 (MANE Select); 7 bases into the intron before coding-DNA position 488, T replaced by C.
Molecular consequence: intron variant.
Genome position (GRCh38, 1-based): chr19:14,766,388, A>G on the plus strand (T>C on the coding strand, the complement: ADGRE2 is on the minus strand). VCF-style: chr19-14766388-A-G. GRCh37 (hg19) VCF-style: chr19-14877200-A-G.
Other names: c.488-7T>C (NM_001271052.1).
Identifiers: ClinVar variation 713234 (VCV000713234.7), dbSNP rs183679996, ClinGen allele CA9258112.

ClinVar aggregate classification (germline): Benign. Review status: criteria provided, multiple submitters, no conflicts (2 of 4 stars). 3 submissions from 3 submitters: Benign (2). 1 of the submissions does not count toward it. Last evaluated 2019-12-31.

Conditions:
ADGRE2-related disorder. Also called: ADGRE2-related condition.

Allele frequency attached by ClinVar (database versions not stated): gnomAD exomes 0.00094 and 0.00248; ExAC 0.00328; 1000 Genomes Project 30x 0.00687; 1000 Genomes Project 0.00699; gnomAD 0.00909 and 0.00989; TOPMed 0.01077; ESP Exome Variant Server 0.01161.
gnomAD v4.1: 2,823 of 1,612,584 alleles (0.18%); highest among the groups gnomAD compares: African/African-American, 3.3%; 57 homozygotes.

Submissions (3):

Labcorp Genetics (formerly Invitae), Labcorp
Classification: Benign. Last evaluated: 2019-12-31. Review status: criteria provided, single submitter. Criteria: Invitae Variant Classification Sherloc (09022015). Collection method: clinical testing. Allele origin: germline.

Breakthrough Genomics
Classification: Benign. Review status: criteria provided, single submitter. Criteria: ACMG Guidelines, 2015. Collection method: not provided. Allele origin: germline. Inheritance: Autosomal dominant inheritance. Affected: yes.

PreventionGenetics, part of Exact Sciences
Classification: Benign for ADGRE2-related condition. Last evaluated: 2019-10-31. Review status: no assertion criteria provided. Collection method: clinical testing. Allele origin: germline. Not counted in ClinVar's aggregate classification.
Comment: This variant is classified as benign based on ACMG/AMP sequence variant interpretation guidelines (Richards et al. 2015 PMID: 25741868, with internal and published modifications).